The following is an entry in ClinVar:

ClinVar aggregate classification (germline): Conflicting classifications of pathogenicity. Review status: criteria provided, conflicting classifications (1 of 4 stars). 10 submissions from 10 submitters: Uncertain significance (9); Likely benign (1). Last evaluated 2026-02-23.

Conditions:
Inborn genetic diseases. Identifiers: MedGen C0950123, MeSH D030342.
POLG-related disorder. Also called: POLG-related condition; POLG-Related Disorders; POLG-Related Spectrum Disorders. Identifiers: MedGen C4763519.
Sensory ataxic neuropathy, dysarthria, and ophthalmoparesis (SANDO). Also called: Epilepsy, progressive myoclonic, type 5; SENSORY ATAXIC NEUROPATHY WITH MITOCHONDRIAL DNA DELETIONS, AUTOSOMAL RECESSIVE; Sensory ataxic neuropathy-dysarthria-ophthalmoparesis syndrome; Ataxia Neuropathy Spectrum (ANS). Identifiers: Orphanet 70595, MedGen C1843851, MONDO:0011835, OMIM 607459.
Mitochondrial DNA depletion syndrome 4b. Also called: Mitochondrial Neurogastrointestinal Encephalopathy Disease, POLG-Related; MNGIE, POLG-RELATED. Identifiers: Orphanet 298, MedGen C3150914, MONDO:0013350, OMIM 613662.
Progressive external ophthalmoplegia with mitochondrial DNA deletions, autosomal dominant 1 (PEOA1). Also called: PROGRESSIVE EXTERNAL OPHTHALMOPLEGIA, AUTOSOMAL DOMINANT 1; Autosomal Dominant Progressive External Ophthalmoplegia (adPEO). Identifiers: MedGen C1834846, MONDO:0024528, OMIM 157640.
Progressive external ophthalmoplegia with mitochondrial DNA deletions, autosomal recessive 1 (PEOB1). Also called: Autosomal Recessive Progressive External Ophthalmoplegia (arPEO); Progressive external ophthalmoplegia, autosomal recessive 1. Identifiers: Orphanet 254886, MedGen C4225153, MONDO:0009783, OMIM 258450.
Mitochondrial DNA depletion syndrome 1. Also called: Mitochondrial neurogastrointestinal encephalomyopathy syndrome; POLIP SYNDROME; POLYNEUROPATHY, OPHTHALMOPLEGIA, LEUKOENCEPHALOPATHY, AND INTESTINAL PSEUDOOBSTRUCTION; Mitochondrial Neurogastrointestinal Encephalopathy Disease; MITOCHONDRIAL NEUROGASTROINTESTINAL ENCEPHALOPATHY SYNDROME, TYMP-RELATED; MNGIE, TYMP-RELATED. Identifiers: Orphanet 298, MedGen C4551995, MONDO:0011283, OMIM 603041.
Progressive sclerosing poliodystrophy (MTDPS4A). Also called: Alpers-Huttenlocher Syndrome (AHS); ALPERS PROGRESSIVE INFANTILE POLIODYSTROPHY; NEURONAL DEGENERATION OF CHILDHOOD WITH LIVER DISEASE, PROGRESSIVE; ALPERS DIFFUSE DEGENERATION OF CEREBRAL GRAY MATTER WITH HEPATIC CIRRHOSIS; Alpers-Huttenlocher Syndrome; Alpers Syndrome. Identifiers: Orphanet 726, MedGen C0205710, MONDO:0008758, OMIM 203700.
Hereditary spastic paraplegia. Also called: Familial spastic paraparesis. Identifiers: Orphanet 685, MedGen C0037773, MONDO:0019064. Disease mechanism: loss of function.

Allele frequency attached by ClinVar (database versions not stated): gnomAD 0.00004 and 0.00005; ExAC 0.00005; TOPMed 0.00005; gnomAD exomes 0.00007; ESP Exome Variant Server 0.00008.
gnomAD v4.1: 70 of 1,613,792 alleles (0.0043%); highest among the groups gnomAD compares: Admixed American, 0.012%; no homozygotes.

Submissions (10):

PreventionGenetics, part of Exact Sciences
Classification: Uncertain significance for POLG-related condition. Last evaluated: 2026-02-23. Review status: criteria provided, single submitter. Criteria: ACMG Guidelines, 2015. Collection method: clinical testing. Allele origin: germline.
Comment: The POLG c.3667A>G variant is predicted to result in the amino acid substitution p.Ile1223Val. This variant has been observed as a single heterozygous variant in a patient with clinical presentations suggestive of POLG deficiency (Table S2, Tang et al. 2011. PubMed ID: 21880868). This variant is reported in 0.011% of alleles in individuals of Latino descent in gnomAD. At this time, the clinical significance of this variant is uncertain due to the absence of conclusive functional and genetic evidence.

Mayo Clinic Laboratories, Mayo Clinic
Classification: Uncertain significance. Last evaluated: 2025-03-24. Review status: criteria provided, single submitter. Criteria: ACMG Guidelines, 2015. Collection method: clinical testing. Allele origin: germline. Observed: 2 variant alleles.

Labcorp Genetics (formerly Invitae), Labcorp
Classification: Uncertain significance for Progressive sclerosing poliodystrophy. Last evaluated: 2025-01-12. Review status: criteria provided, single submitter. Criteria: Invitae Variant Classification Sherloc (09022015). Collection method: clinical testing. Allele origin: germline.
Comment: This sequence change replaces isoleucine, which is neutral and non-polar, with valine, which is neutral and non-polar, at codon 1223 of the POLG protein (p.Ile1223Val). This variant is present in population databases (rs148786642, gnomAD 0.01%). This missense change has been observed in individual(s) with headaches, exercise intolerance, muscle weakness, easy fatigability, ptosis, gastrointestinal reflux, delayed gastric emptying, constipation, vomiting, low plasma carnitine, and CPK abnormalities (PMID: 21880868). ClinVar contains an entry for this variant (Variation ID: 458718). Invitae Evidence Modeling of protein sequence and biophysical properties (such as structural, functional, and spatial information, amino acid conservation, physicochemical variation, residue mobility, and thermodynamic stability) indicates that this missense variant is not expected to disrupt POLG protein function with a negative predictive value of 95%. Algorithms developed to predict the effect of sequence changes on RNA splicing suggest that this variant may create or strengthen a splice site. In summary, the available evidence is currently insufficient to determine the role of this variant in disease. Therefore, it has been classified as a Variant of Uncertain Significance.

GeneDx
Classification: Uncertain significance. Last evaluated: 2024-12-13. Review status: criteria provided, single submitter. Criteria: GeneDx Variant Classification Process June 2021. Collection method: clinical testing. Allele origin: germline. Affected: yes.
Comment: Reported in the heterozygous state in an individual with suspected POLG deficiency; however, information regarding parental testing was not available (PMID: 21880868); Not observed at significant frequency in large population cohorts (gnomAD); In silico analysis indicates that this missense variant does not alter protein structure/function; This variant is associated with the following publications: (PMID: 21880868)

Blueprint Genetics
Classification: Uncertain significance. Last evaluated: 2024-10-11. Review status: criteria provided, single submitter. Criteria: ACMG Guidelines, 2015. Collection method: clinical testing. Allele origin: germline.

Ambry Genetics
Classification: Uncertain significance for Inborn genetic diseases. Last evaluated: 2024-04-18. Review status: criteria provided, single submitter. Criteria: Ambry Variant Classification Scheme 2023. Collection method: clinical testing. Allele origin: germline.

Women's Health and Genetics/Laboratory Corporation of America, LabCorp
Classification: Uncertain significance. Last evaluated: 2023-11-03. Review status: criteria provided, single submitter. Criteria: LabCorp Variant Classification Summary - May 2015. Collection method: clinical testing. Allele origin: germline.
Comment: Variant summary: POLG c.3667A>G (p.Ile1223Val) results in a conservative amino acid change in the encoded protein sequence. Three of five in-silico tools predict a benign effect of the variant on protein function. The variant allele was found at a frequency of 7.2e-05 in 251370 control chromosomes (gnomAD). c.3667A>G has been reported in the literature in individuals who had epileptic panel test performed, however authors classified the variant as uncertain significance. (example: Li_2022). This report does not provide unequivocal conclusions about association of the variant with POLG-Related Spectrum Disorders. To our knowledge, no experimental evidence demonstrating an impact on protein function has been reported. The following publication has been ascertained in the context of this evaluation (PMID: 35478072). Six submitters have cited clinical-significance assessments for this variant to ClinVar after 2014 and classified the variant as VUS(n=5) and likely benign(n=1). Based on the evidence outlined above, the variant was classified as uncertain significance.

Fulgent Genetics
Classification: Uncertain significance for Progressive external ophthalmoplegia with mitochondrial DNA deletions, autosomal dominant 1; Progressive sclerosing poliodystrophy; Progressive external ophthalmoplegia with mitochondrial DNA deletions, autosomal recessive 1; Mitochondrial DNA depletion syndrome 1; Sensory ataxic neuropathy, dysarthria, and ophthalmoparesis; Mitochondrial DNA depletion syndrome 4b. Last evaluated: 2018-10-31. Review status: criteria provided, single submitter. Criteria: ACMG Guidelines, 2015. Collection method: clinical testing. Allele origin: unknown.

Wong Mito Lab, Molecular and Human Genetics, Baylor College of Medicine
Classification: Likely benign for Progressive sclerosing poliodystrophy. Last evaluated: 2018-10-01. Review status: criteria provided, single submitter. Criteria: ACMG Guidelines, 2015. Collection method: clinical testing. Allele origin: germline.
Comment: The NM_002693.2:c.3667A>G (NP_002684.1:p.Ile1223Val) [GRCH38: NC_000015.10:g.89316804T>C] variant in FANCI gene is interpretated to be a Likely Benign based on ACMG guidelines (PMID: 25741868). This variant meets the following evidence codes reported in the ACMG-guideline. BS1:The minor allele frequency of this allele is high for Mitochondrial DNA depletion syndrome 4A (Alpers type). BP4:Computational evidence/predictors indicate no impact on the FANCI structure, function, or protein-protein interaction. Based on the evidence criteria codes applied, the variant is suggested to be Likely Benign.

Genome Diagnostics Laboratory, The Hospital for Sick Children
Classification: Uncertain significance for Hereditary spastic paraplegia. Last evaluated: 2018-01-01. Review status: criteria provided, single submitter. Criteria: ACMG Guidelines, 2015. Collection method: clinical testing. Allele origin: germline. Affected: yes.

Literature cited by the submitters: PubMed 21880868 (cited by 3 submitters); PubMed 35478072 (cited by Women's Health and Genetics/Laboratory Corporation of America, LabCorp).

NM_002693.3(POLG):c.3667A>G (p.Ile1223Val)

Genes: FANCI (FA complementation group I; plus strand), POLG (DNA polymerase gamma, catalytic subunit; minus strand). Cytogenetic location: 15q26.1.
Variant type: single nucleotide variant.
Coding change: c.3667A>G on transcript NM_002693.3 (MANE Select); coding-DNA position 3667, A replaced by G.
Protein change: p.Ile1223Val; replaces isoleucine 1223 with valine.
Molecular consequence: missense variant. On other transcripts: 3 prime UTR variant (4).
Genome position (GRCh38, 1-based): chr15:89,316,804, T>C on the plus strand (A>G on the coding strand, the complement: POLG is on the minus strand). VCF-style: chr15-89316804-T-C. GRCh37 (hg19) VCF-style: chr15-89860035-T-C.
Other names: p.Ile1223Val; c.3667A>G, p.Ile1223Val (NM_001126131.2); c.*345T>C (NM_001113378.2, NM_001376910.1, NM_001376911.1 and 1 more transcripts); short protein forms I1223V.
Identifiers: ClinVar variation 458718 (VCV000458718.33), dbSNP rs148786642, ClinGen allele CA7724040.
Genomic context (GRCh38, chr15:89,316,804, plus strand): 5'-GGCAGTGCTATGGTCCAGGCTGGCTTCGTTTTTCCAAGGAGCCTTTGGTGAGTTCAATTA[T>C]CTGGTAAATATCCAGCGCTTCACCTGAAAGATAGTGCAAATTGGTTAGGATGCCACCTCA-3'
Protein context (NP_002684.1, residues 1213-1233): PQGEALDIYQ[Ile1223Val]IELTKGSLEK